The following is an entry in ClinVar:

NM_001009944.3(PKD1):c.827C>T (p.Thr276Ile)

Gene: PKD1 (polycystin 1, transient receptor potential channel interacting; minus strand). Cytogenetic location: 16p13.3.
Variant type: single nucleotide variant.
Coding change: c.827C>T on transcript NM_001009944.3 (MANE Select); coding-DNA position 827, C replaced by T.
Protein change: p.Thr276Ile; replaces threonine 276 with isoleucine.
Molecular consequence: missense variant.
Genome position (GRCh38, 1-based): chr16:2,118,165, G>A on the plus strand (C>T on the coding strand, the complement: PKD1 is on the minus strand). VCF-style: chr16-2118165-G-A. GRCh37 (hg19) VCF-style: chr16-2168166-G-A.
Other names: c.827C>T, p.Thr276Ile (NM_000296.4); short protein forms T276I.
Identifiers: ClinVar variation 2672607 (VCV002672607.27), dbSNP rs527780704, ClinGen allele CA7833658.

ClinVar aggregate classification (germline): Benign/Likely benign. Review status: criteria provided, multiple submitters, no conflicts (2 of 4 stars). 5 submissions from 5 submitters: Benign (1); Likely benign (4). Last evaluated 2026-05-22.

Conditions:
PKD1-related disorder. Also called: PKD1-related condition.
Polycystic kidney disease, adult type (PKD1). Also called: Polycystic Kidney Disease 1, Autosomal Dominant; Polycystic kidney disease 1; Polycystic kidney disease 1, severe; Polycystic Kidney, Autosomal Dominant; POLYCYSTIC KIDNEY DISEASE, ADULT, TYPE I; POLYCYSTIC KIDNEY DISEASE 1 WITH OR WITHOUT POLYCYSTIC LIVER DISEASE. Identifiers: MedGen C3149841, MONDO:0008263, OMIM 173900.

Allele frequency attached by ClinVar (database versions not stated): TOPMed 0.00016; gnomAD 0.00028; 1000 Genomes Project 0.00060; 1000 Genomes Project 30x 0.00078; ExAC 0.00274.

Submissions (5):

PreventionGenetics, part of Exact Sciences
Classification: Benign for PKD1-related condition. Last evaluated: 2026-05-22. Review status: criteria provided, single submitter. Criteria: ACMG Guidelines, 2015. Collection method: clinical testing. Allele origin: germline.
Comment: This variant is classified as benign based on ACMG/AMP sequence variant interpretation guidelines (Richards et al. 2015 PMID: 25741868, with internal and published modifications).

Women's Health and Genetics/Laboratory Corporation of America, LabCorp
Classification: Likely benign. Last evaluated: 2025-06-18. Review status: criteria provided, single submitter. Criteria: LabCorp Variant Classification Summary - May 2015. Collection method: clinical testing. Allele origin: germline.
Comment: Variant summary: PKD1 c.827C>T (p.Thr276Ile) results in a non-conservative amino acid change in the encoded protein sequence. Algorithms developed to predict the effect of missense changes on protein structure and function are either unavailable or do not agree on the potential impact of this missense change. The variant allele was found at a frequency of 0.0011 in 168712 control chromosomes, predominantly at a frequency of 0.007 within the South Asian subpopulation in the gnomAD database, including 3 homozygotes. The observed variant frequency within South Asian control individuals in the gnomAD database exceeds the estimated maximal expected allele frequency for a pathogenic variant in PKD1 causing PKD1-Biallelic Autosomal Recessive Polycystic Kidney Disease phenotype. To our knowledge, no occurrence of c.827C>T in individuals affected with PKD1-Biallelic Autosomal Recessive Polycystic Kidney Disease and no experimental evidence demonstrating its impact on protein function have been reported. ClinVar contains an entry for this variant (Variation ID: 2672607). Based on the evidence outlined above, the variant was classified as likely benign.

Department of Pathology and Laboratory Medicine, Sinai Health System
Classification: Likely benign for Polycystic kidney disease, adult type. Last evaluated: 2025-01-20. Review status: criteria provided, single submitter. Criteria: ACMG Guidelines, 2015. Collection method: clinical testing. Allele origin: germline.

Blueprint Genetics
Classification: Likely benign. Last evaluated: 2024-10-23. Review status: criteria provided, single submitter. Criteria: ACMG Guidelines, 2015. Collection method: clinical testing. Allele origin: germline.

CeGaT Center for Human Genetics Tuebingen
Classification: Likely benign. Last evaluated: 2023-11-01. Review status: criteria provided, single submitter. Criteria: CeGaT Center For Human Genetics Tuebingen Variant Classification Criteria Version 2. Collection method: clinical testing. Allele origin: germline. Affected: yes. Observed: 1 variant allele.
Comment: PKD1: BS2

Literature cited by the submitters: PubMed 22383692 (cited by Department of Pathology and Laboratory Medicine, Sinai Health System).